The following is an entry in ClinVar:

NM_006269.2(RP1):c.2391_2392del (p.Arg798_Asp799insTer)

Gene: RP1 (RP1 axonemal microtubule associated; plus strand). Cytogenetic location: 8q12.1.
Variant type: Deletion.
Coding change: c.2391_2392del on transcript NM_006269.2 (MANE Select); coding-DNA positions 2391 to 2392, 2 bases deleted (AA; older notation c.2391_2392delAA).
Protein change: p.Arg798_Asp799insTer.
Molecular consequence: frameshift variant. On other transcripts: intron variant (1).
Genome position (GRCh38, 1-based): chr8:54,626,273-54,626,274, AA deleted; deleting any 2 consecutive bases within chr8:54,626,272-54,626,274 gives the same sequence; the c. name uses the placement nearest the transcript's 3' end. VCF-style (leftmost placement, unchanged base first): chr8-54626271-CAA-C. GRCh37 (hg19) VCF-style: chr8-55538831-CAA-C.
Other names: c.787+3985_787+3986del (NM_001375654.1); c.2391_2392del (NM_006269.1).
Identifiers: ClinVar variation 2136668 (VCV002136668.5), dbSNP rs1228558469, ClinGen allele CA582205590.

ClinVar aggregate classification (germline): Pathogenic/Likely pathogenic. Review status: criteria provided, multiple submitters, no conflicts (2 of 4 stars). 2 submissions from 2 submitters: Pathogenic (1); Likely pathogenic (1). Last evaluated 2022-12-15.

Submissions (2):

GeneDx
Classification: Likely pathogenic. Last evaluated: 2022-12-15. Review status: criteria provided, single submitter. Criteria: GeneDx Variant Classification Process June 2021. Collection method: clinical testing. Allele origin: germline. Affected: yes.
Comment: Nonsense variant predicted to result in protein truncation, as the last 1358 amino acids are lost, and other loss-of-function variants have been reported downstream in HGMD; Not observed at significant frequency in large population cohorts (gnomAD); This variant is associated with the following publications: (PMID: 36393903, 32005865, 25692139, 33681214)

Labcorp Genetics (formerly Invitae), Labcorp
Classification: Pathogenic. Last evaluated: 2022-11-04. Review status: criteria provided, single submitter. Criteria: Invitae Variant Classification Sherloc (09022015). Collection method: clinical testing. Allele origin: germline.
Comment: This sequence change creates a premature translational stop signal (p.Asp799*) in the RP1 gene. While this is not anticipated to result in nonsense mediated decay, it is expected to disrupt the last 1358 amino acid(s) of the RP1 protein. For these reasons, this variant has been classified as Pathogenic. This variant disrupts the C-terminus of the RP1 protein. Many variants that disrupt this region have been reported in individuals with either autosomal dominant or autosomal recessive retinitis pigmentosa (PMID: 11527933, 19933189, 29425069, 30027431, 33681214). Therefore, variants that disrupt this region are expected to be disease-causing. This premature translational stop signal has been observed in individual(s) with rod-cone dystrophy (PMID: 25692139). This variant is present in population databases (no rsID available, gnomAD 0.007%).

Literature cited by the submitters: PubMed 11527933 (cited by Labcorp Genetics (formerly Invitae), Labcorp); PubMed 19933189 (cited by Labcorp Genetics (formerly Invitae), Labcorp); PubMed 29425069 (cited by Labcorp Genetics (formerly Invitae), Labcorp); PubMed 30027431 (cited by Labcorp Genetics (formerly Invitae), Labcorp); PubMed 33681214 (cited by Labcorp Genetics (formerly Invitae), Labcorp); PubMed 25692139 (cited by Labcorp Genetics (formerly Invitae), Labcorp).